The following is an entry in ClinVar:

ClinVar aggregate classification (germline): Uncertain significance (1 of 4 stars; one submission).

Conditions:
FTSJ1-related disorder. Also called: FTSJ1-related condition.

Submission:

PreventionGenetics, part of Exact Sciences
Classification: Uncertain significance for FTSJ1-related condition. Last evaluated: 2026-08-18. Review status: criteria provided, single submitter. Criteria: ACMG Guidelines, 2015. Collection method: clinical testing. Allele origin: germline.
Comment: The FTSJ1 c.64C>T variant is predicted to result in the amino acid substitution p.Arg22Cys. This variant has been reported de novo in an individual with developmental disorder (Supplemental Table 2, Martin et al. 2021. PubMed ID: 33504798). This variant has not been reported in a large population database (gnomAD), indicating this variant is rare. At this time, the clinical significance of this variant is uncertain due to the absence of conclusive functional and genetic evidence.

NM_012280.4(FTSJ1):c.64C>T (p.Arg22Cys)

Gene: FTSJ1 (FtsJ RNA 2'-O-methyltransferase 1; plus strand). Cytogenetic location: Xp11.23.
Variant type: single nucleotide variant.
Coding change: c.64C>T on transcript NM_012280.4 (MANE Select); coding-DNA position 64, C replaced by T.
Protein change: p.Arg22Cys; replaces arginine 22 with cysteine.
Molecular consequence: missense variant. On other transcripts: intron variant (1).
Genome position (GRCh38, 1-based): chrX:48,478,111, C>T. VCF-style: chrX-48478111-C-T. GRCh37 (hg19) VCF-style: chrX-48336499-C-T.
Other names: c.64C>T, p.Arg22Cys (NM_001441195.1, NM_001441196.1, NM_001441197.1 and 4 more transcripts); c.-76-927C>T (NM_001282157.2); short protein forms R22C.
Identifiers: ClinVar variation 4992304 (VCV004992304.1).